The following is an entry in ClinVar:

NM_001127222.2(CACNA1A):c.-11C>T

Gene: CACNA1A (calcium voltage-gated channel subunit alpha1 A; minus strand). Cytogenetic location: 19p13.13.
Variant type: single nucleotide variant.
Coding change: c.-11C>T on transcript NM_001127222.2 (MANE Select); 11 bases upstream of the start codon, C replaced by T.
Molecular consequence: 5 prime UTR variant.
Genome position (GRCh38, 1-based): chr19:13,506,235, G>A on the plus strand (C>T on the coding strand, the complement: CACNA1A is on the minus strand). VCF-style: chr19-13506235-G-A. GRCh37 (hg19) VCF-style: chr19-13617049-G-A.
Other names: c.-11C>T (NM_000068.4, NM_001127221.2, NM_001174080.2 and 1 more transcripts).
Identifiers: ClinVar variation 384632 (VCV000384632.1), dbSNP rs1057522015, ClinGen allele CA16608181.

ClinVar aggregate classification (germline): Likely benign (1 of 4 stars; one submission).

Allele frequency attached by ClinVar (database versions not stated): TOPMed 0.00002; gnomAD 0.00003; gnomAD exomes 0.00003.
gnomAD v4.1: 42 of 1,455,154 alleles (0.0029%); highest among the groups gnomAD compares: Non-Finnish European, 0.0037%; no homozygotes.

Submission:

GeneDx
Classification: Likely benign. Last evaluated: 2016-03-22. Review status: criteria provided, single submitter. Criteria: GeneDx Variant Classification (06012015). Collection method: clinical testing. Allele origin: germline. Affected: yes.
Comment: This variant is considered likely benign or benign based on one or more of the following criteria: it is a conservative change, it occurs at a poorly conserved position in the protein, it is predicted to be benign by multiple in silico algorithms, and/or has population frequency not consistent with disease.